The following is an entry in ClinVar:

ClinVar aggregate classification (germline): Benign/Likely benign. Review status: criteria provided, multiple submitters, no conflicts (2 of 4 stars). 4 submissions from 4 submitters: Benign (1); Likely benign (3). Last evaluated 2025-01-17.

Conditions:
Ataxia-telangiectasia syndrome (AT). Also called: Ataxia-telangiectasia, complementation group E; Ataxia-telangiectasia, complementation group D; Ataxia telangiectasia (A-T); LOUIS-BAR SYNDROME; ATAXIA-TELANGIECTASIA, COMPLEMENTATION GROUP A; ATAXIA-TELANGIECTASIA, FRESNO VARIANT. Identifiers: Orphanet 100, MedGen C0004135, MONDO:0008840, OMIM 208900.
Hereditary cancer-predisposing syndrome. Also called: Neoplastic Syndromes, Hereditary; Hereditary Cancer Syndrome; Tumor predisposition; Hereditary neoplastic syndrome. Identifiers: Orphanet 140162, MedGen C0027672, MeSH D009386, MONDO:0015356.
Familial cancer of breast. Also called: BREAST CANCER, FAMILIAL; Hereditary breast cancer; hereditary breast carcinoma. Identifiers: Orphanet 227535, MedGen C0346153, MONDO:0016419, OMIM 114480. Disease mechanism: loss of function.

Submissions (4):

Labcorp Genetics (formerly Invitae), Labcorp
Classification: Likely benign for Ataxia-telangiectasia syndrome. Last evaluated: 2025-01-17. Review status: criteria provided, single submitter. Criteria: Invitae Variant Classification Sherloc (09022015). Collection method: clinical testing. Allele origin: germline.

Myriad Genetics, Inc.
Classification: Benign for Familial cancer of breast. Last evaluated: 2024-05-13. Review status: criteria provided, single submitter. Criteria: Myriad Autosomal Dominant, Autosomal Recessive and X-Linked Classification Criteria (2023). Collection method: clinical testing. Allele origin: unknown.
Comment: This variant is considered benign. This variant is a silent/synonymous amino acid change and it is not expected to impact splicing.

Ambry Genetics
Classification: Likely benign for Hereditary cancer-predisposing syndrome. Last evaluated: 2021-01-28. Review status: criteria provided, single submitter. Criteria: Ambry Variant Classification Scheme 2023. Collection method: clinical testing. Allele origin: germline.

Color Diagnostics, LLC DBA Color Health
Classification: Likely benign for Hereditary cancer-predisposing syndrome. Last evaluated: 2019-04-03. Review status: criteria provided, single submitter. Criteria: ACMG Guidelines, 2015. Collection method: clinical testing. Allele origin: germline.

NM_000051.4(ATM):c.3039T>C (p.Asp1013=)

Gene: ATM (ATM serine/threonine kinase; plus strand). Cytogenetic location: 11q22.3.
Variant type: single nucleotide variant.
Coding change: c.3039T>C on transcript NM_000051.4 (MANE Select); coding-DNA position 3039, T replaced by C.
Protein change: p.Asp1013=; no amino-acid change (aspartic acid 1013 retained).
Molecular consequence: synonymous variant.
Genome position (GRCh38, 1-based): chr11:108,271,368, T>C. VCF-style: chr11-108271368-T-C. GRCh37 (hg19) VCF-style: chr11-108142095-T-C.
Other names: c.3039T>C, p.Asp1013= (NM_001351834.2).
Identifiers: ClinVar variation 799560 (VCV000799560.16), dbSNP rs1591604597, ClinGen allele CA476674412.